The following is an entry in ClinVar:

ClinVar aggregate classification (germline): Pathogenic/Likely pathogenic. Review status: criteria provided, multiple submitters, no conflicts (2 of 4 stars). 3 submissions from 3 submitters: Pathogenic (1); Likely pathogenic (2). Last evaluated 2024-04-02.

Conditions:
Multiple cutaneous and mucosal venous malformations (VMCM). Also called: TEK-Related Multiple Cutaneous and Mucosal Venous Malformations (VMCM). Identifiers: Orphanet 2451, MedGen C1838437, MONDO:0010842, OMIM 600195.

Submissions (3):

Clinical Genomics Laboratory, Washington University in St. Louis
Classification: Pathogenic for Multiple cutaneous and mucosal venous malformations. Last evaluated: 2024-04-02. Review status: criteria provided, single submitter. Criteria: ACMG Guidelines, 2015. Collection method: clinical testing. Allele origin: somatic. Affected: yes.
Comment: The TEK c.2689T>A (p.Tyr897Asn) variant was identified at an allelic fraction consistent with somatic origin. This variant has been reported in individuals affected with vascular malformation (Cao Y et al., 2023) and Blue Rubber Bleb Nevus (BRBN) Syndrome (Soblet J et al., PMID: 27519652). This variant has been reported in the ClinVar database as a likely pathogenic variant by two submitters (ClinVar ID: 1691345). This variant is absent from the general population (gnomAD v.4.0.0), indicating that it is not a common variant. Other variants in the same codon, c.2689T>C (p.Tyr897His), c.2690A>G (p.Tyr897Cys), have been reported in multiple individuals affected with venous malformations and are considered pathogenic (Cao Y et al., 2023; Ten Broek RW et al., PMID: 30677207; Limaye N et al., PMID: 26637981; Ye C et al., PMID: 21962923; Limaye N et al., PMID: 19079259; Soblet J et al., PMID: 27519652; Soblet J et al.; PMID: 23801934; Paolacci S et al., PMID: 33105631. The TEK c.2689T>A (p.Tyr897Asn) variant resides within the tyrosine kinase domain of TEK, which is a critical functional domain (Shewchuk LM et al., PMID: 11080633). Computational predictors indicate that the variant is damaging, evidence that may correlate with impact on TEK function. Based on an internally-developed protocol informed by the ACMG/AMP guidelines (Richards S et al., PMID: 25741868), the TEK c.2689T>A (p.Tyr897Asn) variant is classified as pathogenic.

Laboratory of Medical Genetics, National & Kapodistrian University of Athens
Classification: Likely pathogenic for Multiple cutaneous and mucosal venous malformations. Last evaluated: 2023-06-13. Review status: criteria provided, single submitter. Criteria: ACMG Guidelines, 2015. Collection method: clinical testing. Allele origin: germline. Affected: yes.
Comment: PM2, PM5, PP3, PP5

Seattle Children's Hospital Molecular Genetics Laboratory, Seattle Children's Hospital
Classification: Likely pathogenic. Last evaluated: 2021-04-23. Review status: criteria provided, single submitter. Criteria: ACMG Guidelines, 2015. Collection method: clinical testing. Allele origin: somatic. Affected: yes.
Comment: The p.Tyr897Asn substitution has been reported as a somatic change in several individuals with blue rubber bleb nevus syndrome, both by itself (participant #12 in PMID: 27519652) and with a 2nd TEK substitution (PMID: 27519652).

NM_000459.5(TEK):c.2689T>A (p.Tyr897Asn)

Gene: TEK (TEK receptor tyrosine kinase; plus strand). Cytogenetic location: 9p21.2.
Variant type: single nucleotide variant.
Coding change: c.2689T>A on transcript NM_000459.5 (MANE Select); coding-DNA position 2689, T replaced by A.
Protein change: p.Tyr897Asn; replaces tyrosine 897 with asparagine.
Molecular consequence: missense variant.
Genome position (GRCh38, 1-based): chr9:27,212,709, T>A. VCF-style: chr9-27212709-T-A. GRCh37 (hg19) VCF-style: chr9-27212707-T-A.
Other names: c.2560T>A, p.Tyr854Asn (NM_001290077.2); c.2245T>A, p.Tyr749Asn (NM_001290078.2); c.2686T>A, p.Tyr896Asn (NM_001375475.1); c.2557T>A, p.Tyr853Asn (NM_001375476.1); short protein forms Y749N, Y853N, Y854N, Y896N, Y897N.
Identifiers: ClinVar variation 1691345 (VCV001691345.4), dbSNP rs2131227936, ClinGen allele CA373122669.